The following is an entry in ClinVar:

NM_004629.2(FANCG):c.355A>C (p.Arg119=)

Gene: FANCG (FA complementation group G; minus strand). Cytogenetic location: 9p13.3.
Variant type: single nucleotide variant.
Coding change: c.355A>C on transcript NM_004629.2 (MANE Select); coding-DNA position 355, A replaced by C.
Protein change: p.Arg119=; no amino-acid change (arginine 119 retained).
Molecular consequence: synonymous variant.
Genome position (GRCh38, 1-based): chr9:35,078,296, T>G on the plus strand (A>C on the coding strand, the complement: FANCG is on the minus strand). VCF-style: chr9-35078296-T-G. GRCh37 (hg19) VCF-style: chr9-35078293-T-G.
Identifiers: ClinVar variation 2842865 (VCV002842865.3), dbSNP rs2131058571, ClinGen allele CA464603059.
Genomic context (GRCh38, chr9:35,078,296, plus strand): 5'-GGGCAGACAGCAGCTCCGGCAGAAGGCAGGAAGCACGAAGGACAGAGTCCCACAGCTCCC[T>G]GAGCCCCTGTTCCAACCTGGGCCCCTGCTGCTCCTGTGTCTCCAGCACTGTAGAGTATAC-3'
Protein context (NP_004620.1, residues 109-129): QQGPRLEQGL[Arg119=]ELWDSVLRAS

ClinVar aggregate classification (germline): Uncertain significance (1 of 4 stars; one submission).

Conditions:
Fanconi anemia (FA). Also called: Fanconi's anemia. Identifiers: Orphanet 84, MedGen C0015625, MeSH D005199, MONDO:0019391.

Submission:

Labcorp Genetics (formerly Invitae), Labcorp
Classification: Uncertain significance for Fanconi anemia. Last evaluated: 2023-03-04. Review status: criteria provided, single submitter. Criteria: Invitae Variant Classification Sherloc (09022015). Collection method: clinical testing. Allele origin: germline.
Comment: This sequence change affects codon 119 of the FANCG mRNA. It is a 'silent' change, meaning that it does not change the encoded amino acid sequence of the FANCG protein. This variant is not present in population databases (gnomAD no frequency). This variant has not been reported in the literature in individuals affected with FANCG-related conditions. Algorithms developed to predict the effect of sequence changes on RNA splicing suggest that this variant may create or strengthen a splice site. In summary, the available evidence is currently insufficient to determine the role of this variant in disease. Therefore, it has been classified as a Variant of Uncertain Significance.